The following is an entry in ClinVar:

ClinVar aggregate classification (germline): Uncertain significance (1 of 4 stars; one submission).

Submission:

Labcorp Genetics (formerly Invitae), Labcorp
Classification: Uncertain significance. Last evaluated: 2024-08-27. Review status: criteria provided, single submitter. Criteria: Invitae Variant Classification Sherloc (09022015). Collection method: clinical testing. Allele origin: germline.
Comment: This sequence change replaces glycine, which is neutral and non-polar, with arginine, which is basic and polar, at codon 1397 of the COL27A1 protein (p.Gly1397Arg). The frequency data for this variant in the population databases is considered unreliable, as metrics indicate poor data quality at this position in the gnomAD database. This variant has not been reported in the literature in individuals affected with COL27A1-related conditions. Invitae Evidence Modeling of protein sequence and biophysical properties (such as structural, functional, and spatial information, amino acid conservation, physicochemical variation, residue mobility, and thermodynamic stability) indicates that this missense variant is expected to disrupt COL27A1 protein function with a positive predictive value of 80%. In summary, the available evidence is currently insufficient to determine the role of this variant in disease. Therefore, it has been classified as a Variant of Uncertain Significance.

NM_032888.4(COL27A1):c.4189G>C (p.Gly1397Arg)

Genes: COL27A1 (collagen type XXVII alpha 1 chain; plus strand), LOC126860736 (MED14-independent group 3 enhancer GRCh37_chr9:117050487-117051686; plus strand). Cytogenetic location: 9q32.
Variant type: single nucleotide variant.
Coding change: c.4189G>C on transcript NM_032888.4 (MANE Select); coding-DNA position 4189, G replaced by C.
Protein change: p.Gly1397Arg; replaces glycine 1397 with arginine.
Molecular consequence: missense variant.
Genome position (GRCh38, 1-based): chr9:114,289,278, G>C. VCF-style: chr9-114289278-G-C. GRCh37 (hg19) VCF-style: chr9-117051558-G-C.
Other names: short protein forms G1397R.
Identifiers: ClinVar variation 3718960 (VCV003718960.2).